The following is an entry in ClinVar:

NM_000400.4(ERCC2):c.2190+12G>A

Gene: ERCC2 (ERCC excision repair 2, TFIIH core complex helicase subunit; minus strand). Cytogenetic location: 19q13.32.
Variant type: single nucleotide variant.
Coding change: c.2190+12G>A on transcript NM_000400.4 (MANE Select); 12 bases into the intron after coding-DNA position 2190, G replaced by A.
Molecular consequence: intron variant.
Genome position (GRCh38, 1-based): chr19:45,352,197, C>T on the plus strand (G>A on the coding strand, the complement: ERCC2 is on the minus strand). VCF-style: chr19-45352197-C-T. GRCh37 (hg19) VCF-style: chr19-45855455-C-T.
Identifiers: ClinVar variation 256019 (VCV000256019.21), dbSNP rs3916881, ClinGen allele CA9512854.

ClinVar aggregate classification (germline): Benign. Review status: criteria provided, multiple submitters, no conflicts (2 of 4 stars). 7 submissions from 7 submitters: Benign (5). 2 of the submissions do not count toward it. Last evaluated 2026-02-02.

Conditions:
Xeroderma pigmentosum, group D (XPD). Also called: ERCC2-Related Xeroderma Pigmentosum; XERODERMA PIGMENTOSUM IV; XP, GROUP D; XP, GROUP H; XERODERMA PIGMENTOSUM, COMPLEMENTATION GROUP D. Identifiers: MedGen C0268138, MONDO:0010212, OMIM 278730.

Allele frequency attached by ClinVar (database versions not stated): gnomAD exomes 0.00200 and 0.00520; ESP Exome Variant Server 0.00277; gnomAD 0.00366 and 0.00419; TOPMed 0.00476; ExAC 0.00564; 1000 Genomes Project 30x 0.01437; 1000 Genomes Project 0.01597.
gnomAD v4.1: 3,854 of 1,613,114 alleles (0.24%); highest among the groups gnomAD compares: East Asian, 5.5%; 105 homozygotes.

Submissions (7):

Labcorp Genetics (formerly Invitae), Labcorp
Classification: Benign. Last evaluated: 2026-02-02. Review status: criteria provided, single submitter. Criteria: Invitae Variant Classification Sherloc (09022015). Collection method: clinical testing. Allele origin: germline.

GeneDx
Classification: Benign. Last evaluated: 2019-06-15. Review status: criteria provided, single submitter. Criteria: GeneDx Variant Classification Process June 2021. Collection method: clinical testing. Allele origin: germline. Affected: yes.

Illumina Laboratory Services, Illumina
Classification: Benign for Xeroderma pigmentosum, group D. Last evaluated: 2018-01-12. Review status: criteria provided, single submitter. Criteria: ICSL Variant Classification Criteria 13 December 2019. Collection method: clinical testing. Allele origin: germline.
Comment: This variant was observed in the ICSL laboratory as part of a predisposition screen in an ostensibly healthy population. It had not been previously curated by ICSL or reported in the Human Gene Mutation Database (HGMD: prior to June 1st, 2018), and was therefore a candidate for classification through an automated scoring system. Utilizing variant allele frequency, disease prevalence and penetrance estimates, and inheritance mode, an automated score was calculated to assess if this variant is too frequent to cause the disease. Based on the score and internal cut-off values, a variant classified as benign is not then subjected to further curation. The score for this variant resulted in a classification of benign for this disease.

Breakthrough Genomics
Classification: Benign. Review status: criteria provided, single submitter. Criteria: ACMG Guidelines, 2015. Collection method: not provided. Allele origin: germline. Inheritance: Autosomal recessive inheritance. Affected: yes.

PreventionGenetics, part of Exact Sciences
Classification: Benign. Review status: criteria provided, single submitter. Criteria: ACMG Guidelines, 2015. Collection method: clinical testing. Allele origin: germline.

Clinical Genetics DNA and cytogenetics Diagnostics Lab, Erasmus MC, Erasmus Medical Center
Classification: Benign. Review status: no assertion criteria provided. Collection method: clinical testing. Allele origin: germline. Affected: yes. Study: VKGL Data-share Consensus. Not counted in ClinVar's aggregate classification.

Genome Diagnostics Laboratory, University Medical Center Utrecht
Classification: Benign. Review status: no assertion criteria provided. Collection method: clinical testing. Allele origin: germline. Affected: yes. Study: VKGL Data-share Consensus. Not counted in ClinVar's aggregate classification.